The following is an entry in ClinVar:

ClinVar aggregate classification (germline): Uncertain significance (1 of 4 stars; one submission).

Conditions:
Capillary malformation-arteriovenous malformation syndrome. Also called: Capillary malformation-arteriovenous malformation. Identifiers: Orphanet 137667, MedGen C1842180, MONDO:0012016.

Submission:

Labcorp Genetics (formerly Invitae), Labcorp
Classification: Uncertain significance for Capillary malformation-arteriovenous malformation syndrome. Last evaluated: 2025-05-13. Review status: criteria provided, single submitter. Criteria: Invitae Variant Classification Sherloc (09022015). Collection method: clinical testing. Allele origin: germline.
Comment: This sequence change replaces glutamic acid, which is acidic and polar, with lysine, which is basic and polar, at codon 985 of the RASA1 protein (p.Glu985Lys). This variant is present in population databases (rs770544719, gnomAD 0.0009%). This variant has not been reported in the literature in individuals affected with RASA1-related conditions. An algorithm developed to predict the effect of missense changes on protein structure and function (PolyPhen-2) suggests that this variant is likely to be disruptive. In summary, the available evidence is currently insufficient to determine the role of this variant in disease. Therefore, it has been classified as a Variant of Uncertain Significance.

NM_002890.3(RASA1):c.2953G>A (p.Glu985Lys)

Genes: CCNH (cyclin H; minus strand), RASA1 (RAS p21 protein activator 1; plus strand). Cytogenetic location: 5q14.3.
Variant type: single nucleotide variant.
Coding change: c.2953G>A on transcript NM_002890.3 (MANE Select); coding-DNA position 2953, G replaced by A.
Protein change: p.Glu985Lys; replaces glutamic acid 985 with lysine.
Molecular consequence: missense variant. On other transcripts: intron variant (1).
Genome position (GRCh38, 1-based): chr5:87,389,420, G>A. VCF-style: chr5-87389420-G-A. GRCh37 (hg19) VCF-style: chr5-86685237-G-A.
Other names: c.2422G>A, p.Glu808Lys (NM_022650.3); c.933+5624C>T (NM_001364075.2); short protein forms E985K, E808K.
Identifiers: ClinVar variation 4719469 (VCV004719469.1).